The following is an entry in ClinVar:

NM_000455.5(STK11):c.603G>T (p.Leu201=)

Gene: STK11 (serine/threonine kinase 11; plus strand). Cytogenetic location: 19p13.3.
Variant type: single nucleotide variant.
Coding change: c.603G>T on transcript NM_000455.5 (MANE Select); coding-DNA position 603, G replaced by T.
Protein change: p.Leu201=; no amino-acid change (leucine 201 retained).
Molecular consequence: synonymous variant. On other transcripts: non-coding transcript variant (1).
Genome position (GRCh38, 1-based): chr19:1,220,586, G>T. VCF-style: chr19-1220586-G-T. GRCh37 (hg19) VCF-style: chr19-1220585-G-T.
Other names: c.603G>T, p.Leu201= (NM_001407255.1).
Identifiers: ClinVar variation 3728387 (VCV003728387.3).

ClinVar aggregate classification (germline): Benign/Likely benign. Review status: criteria provided, multiple submitters, no conflicts (2 of 4 stars). 2 submissions from 2 submitters: Benign (1); Likely benign (1). Last evaluated 2025-03-26.

Conditions:
Peutz-Jeghers syndrome (PJS). Also called: POLYPOSIS, HAMARTOMATOUS INTESTINAL; POLYPS-AND-SPOTS SYNDROME; Peutz-Jeghers polyposis; Periorificial lentiginosis syndrome. Identifiers: Orphanet 2869, MedGen C0031269, MeSH D010580, MONDO:0008280, OMIM 175200.

Submissions (2):

Myriad Genetics, Inc.
Classification: Benign for Peutz-Jeghers syndrome. Last evaluated: 2025-03-26. Review status: criteria provided, single submitter. Criteria: Myriad Autosomal Dominant, Autosomal Recessive and X-Linked Classification Criteria (2023). Collection method: clinical testing. Allele origin: unknown.
Comment: This variant is considered benign. This variant is a silent/synonymous amino acid change and it is not expected to impact splicing.

Labcorp Genetics (formerly Invitae), Labcorp
Classification: Likely benign for Peutz-Jeghers syndrome. Last evaluated: 2025-01-01. Review status: criteria provided, single submitter. Criteria: Invitae Variant Classification Sherloc (09022015). Collection method: clinical testing. Allele origin: germline.